The following is an entry in ClinVar:

NM_001291415.2(KDM6A):c.975T>C (p.Gly325=)

Gene: KDM6A (lysine demethylase 6A; plus strand). Cytogenetic location: Xp11.3.
Variant type: single nucleotide variant.
Coding change: c.975T>C on transcript NM_001291415.2 (MANE Select); coding-DNA position 975, T replaced by C.
Protein change: p.Gly325=; no amino-acid change (glycine 325 retained).
Molecular consequence: synonymous variant. On other transcripts: non-coding transcript variant (1).
Genome position (GRCh38, 1-based): chrX:45,059,247, T>C. VCF-style: chrX-45059247-T-C. GRCh37 (hg19) VCF-style: chrX-44918492-T-C.
Other names: c.975T>C, p.Gly325= (NM_001291416.2, NM_001291417.2, NM_001291418.2 and 9 more transcripts); c.222T>C, p.Gly74= (NM_001291421.2).
Identifiers: ClinVar variation 2911374 (VCV002911374.3), dbSNP rs2522761565, ClinGen allele CA516349515.

ClinVar aggregate classification (germline): Uncertain significance (1 of 4 stars; one submission).

Conditions:
Kabuki syndrome 2 (KABUK2). Also called: KDM6A-Related Kabuki Syndrome. Identifiers: Orphanet 2322, MedGen C3275495, MONDO:0010465, OMIM 300867.

Submission:

Labcorp Genetics (formerly Invitae), Labcorp
Classification: Uncertain significance for Kabuki syndrome 2. Last evaluated: 2023-07-16. Review status: criteria provided, single submitter. Criteria: Invitae Variant Classification Sherloc (09022015). Collection method: clinical testing. Allele origin: germline.
Comment: In summary, the available evidence is currently insufficient to determine the role of this variant in disease. Therefore, it has been classified as a Variant of Uncertain Significance. Algorithms developed to predict the effect of sequence changes on RNA splicing suggest that this variant is not likely to affect RNA splicing. This variant has not been reported in the literature in individuals affected with KDM6A-related conditions. This variant is not present in population databases (gnomAD no frequency). This sequence change affects codon 325 of the KDM6A mRNA. It is a 'silent' change, meaning that it does not change the encoded amino acid sequence of the KDM6A protein. It affects a nucleotide within the consensus splice site.